The following is an entry in ClinVar:

NM_017617.5(NOTCH1):c.1861C>G (p.Arg621Gly)

Gene: NOTCH1 (notch receptor 1; minus strand). Cytogenetic location: 9q34.3.
Variant type: single nucleotide variant.
Coding change: c.1861C>G on transcript NM_017617.5 (MANE Select); coding-DNA position 1861, C replaced by G.
Protein change: p.Arg621Gly; replaces arginine 621 with glycine.
Molecular consequence: missense variant.
Genome position (GRCh38, 1-based): chr9:136,515,525, G>C on the plus strand (C>G on the coding strand, the complement: NOTCH1 is on the minus strand). VCF-style: chr9-136515525-G-C. GRCh37 (hg19) VCF-style: chr9-139409977-G-C.
Other names: short protein forms R621G.
Identifiers: ClinVar variation 1424775 (VCV001424775.8), dbSNP rs774622686, ClinGen allele CA375559618.
Genomic context (GRCh38, chr9:136,515,525, plus strand): 5'-ACCCGCCTGGCCGGCCACCTGTGGTCCCCTTCAGGCAGAAGCAGAGGTAGGCGTTGTCGC[G>C]GTCCTGGCAGGTGCCCCCGTGGCGGCAGGGCTGGCTGGAGCACTCGTTGATGTTGGTCTC-3'
Protein context (NP_060087.3, residues 611-631): PCRHGGTCQD[Arg621Gly]DNAYLCFCLK

ClinVar aggregate classification (germline): Uncertain significance (1 of 4 stars; one submission).

Conditions:
Adams-Oliver syndrome 5 (AOS5). Identifiers: Orphanet 974, MedGen C4014970, MONDO:0014459, OMIM 616028.

Submission:

Labcorp Genetics (formerly Invitae), Labcorp
Classification: Uncertain significance for Adams-Oliver syndrome 5. Last evaluated: 2024-07-23. Review status: criteria provided, single submitter. Criteria: Invitae Variant Classification Sherloc (09022015). Collection method: clinical testing. Allele origin: germline.
Comment: This sequence change replaces arginine, which is basic and polar, with glycine, which is neutral and non-polar, at codon 621 of the NOTCH1 protein (p.Arg621Gly). This variant is not present in population databases (gnomAD no frequency). This variant has not been reported in the literature in individuals affected with NOTCH1-related conditions. ClinVar contains an entry for this variant (Variation ID: 1424775). Advanced modeling of protein sequence and biophysical properties (such as structural, functional, and spatial information, amino acid conservation, physicochemical variation, residue mobility, and thermodynamic stability) performed at Invitae indicates that this missense variant is not expected to disrupt NOTCH1 protein function with a negative predictive value of 95%. In summary, the available evidence is currently insufficient to determine the role of this variant in disease. Therefore, it has been classified as a Variant of Uncertain Significance.